The following is an entry in ClinVar:

NM_000181.4(GUSB):c.1227C>T (p.Gly409=)

Gene: GUSB (glucuronidase beta; minus strand). Cytogenetic location: 7q11.21.
Variant type: single nucleotide variant.
Coding change: c.1227C>T on transcript NM_000181.4 (MANE Select); coding-DNA position 1227, C replaced by T.
Protein change: p.Gly409=; no amino-acid change (glycine 409 retained).
Molecular consequence: synonymous variant. On other transcripts: non-coding transcript variant (1).
Genome position (GRCh38, 1-based): chr7:65,974,543, G>A on the plus strand (C>T on the coding strand, the complement: GUSB is on the minus strand). VCF-style: chr7-65974543-G-A. GRCh37 (hg19) VCF-style: chr7-65439530-G-A.
Other names: c.789C>T, p.Gly263= (NM_001284290.2); c.657C>T, p.Gly219= (NM_001293104.2); c.570C>T, p.Gly190= (NM_001293105.2); c.1227C>T (NM_000181.3).
Identifiers: ClinVar variation 2081416 (VCV002081416.6), dbSNP rs777871501, ClinGen allele CA4276351.

ClinVar aggregate classification (germline): Likely benign. Review status: criteria provided, multiple submitters, no conflicts (2 of 4 stars). 2 submissions from 2 submitters: Likely benign (2). Last evaluated 2026-02-04.

Conditions:
GUSB-related disorder. Also called: GUSB-related condition.
Mucopolysaccharidosis type 7 (MPS7). Also called: BETA-GLUCURONIDASE DEFICIENCY; GUSB DEFICIENCY; MPS VII; SLY SYNDROME. Identifiers: Orphanet 584, MedGen C0085132, MONDO:0009662, OMIM 253220.

Allele frequency attached by ClinVar (database versions not stated): gnomAD 0.00002; ExAC 0.00004; TOPMed 0.00004.
gnomAD v4.1: 33 of 1,614,064 alleles (0.002%); highest among the groups gnomAD compares: Middle Eastern, 0.016%; no homozygotes.

Submissions (3):

PreventionGenetics, part of Exact Sciences
Classification: Likely benign for GUSB-related condition. Last evaluated: 2026-02-04. Review status: criteria provided, single submitter. Criteria: ACMG Guidelines, 2015. Collection method: clinical testing. Allele origin: germline.
Comment: This variant is classified as likely benign based on ACMG/AMP sequence variant interpretation guidelines (Richards et al. 2015 PMID: 25741868, with internal and published modifications).

Labcorp Genetics (formerly Invitae), Labcorp
Classification: Likely benign for Mucopolysaccharidosis type 7. Last evaluated: 2025-10-28. Review status: criteria provided, single submitter. Criteria: Invitae Variant Classification Sherloc (09022015). Collection method: clinical testing. Allele origin: germline.

Dr. Peter K. Rogan Lab, Western University
No classification provided (evidence only). Condition: Ovarian serous cystadenocarcinoma. Review status: no classification provided. Collection method: in vitro. Allele origin: not applicable. Functional consequence: retained intron. Not counted in ClinVar's aggregate classification.